The following is an entry in ClinVar:

ClinVar aggregate classification (germline): Benign. Review status: criteria provided, single submitter (1 of 4 stars). 2 submissions from 1 submitter: Benign (2). Last evaluated 2018-01-13.

Conditions:
Waardenburg syndrome. Also called: Waardenburg's syndrome. Identifiers: Orphanet 3440, MedGen C3266898, MONDO:0018094.
Craniofacial-deafness-hand syndrome (CDHS). Identifiers: Orphanet 1529, MedGen C1852510, MONDO:0007395, OMIM 122880.

Allele frequency attached by ClinVar (database versions not stated): gnomAD exomes 0.00001; gnomAD 0.00006 and 0.00007; TOPMed 0.00010; 1000 Genomes Project 0.00040; 1000 Genomes Project 30x 0.00047.
gnomAD v4.1: 29 of 1,477,894 alleles (0.002%); highest among the groups gnomAD compares: African/African-American, 0.042%; no homozygotes.

Submissions (2):

Illumina Laboratory Services, Illumina
Classification: Benign for Craniofacial-deafness-hand syndrome. Last evaluated: 2018-01-13. Review status: criteria provided, single submitter. Criteria: ICSL Variant Classification Criteria 13 December 2019. Collection method: clinical testing. Allele origin: germline.
Comment: This variant was observed in the ICSL laboratory as part of a predisposition screen in an ostensibly healthy population. It had not been previously curated by ICSL or reported in the Human Gene Mutation Database (HGMD: prior to June 1st, 2018), and was therefore a candidate for classification through an automated scoring system. Utilizing variant allele frequency, disease prevalence and penetrance estimates, and inheritance mode, an automated score was calculated to assess if this variant is too frequent to cause the disease. Based on the score and internal cut-off values, a variant classified as benign is not then subjected to further curation. The score for this variant resulted in a classification of benign for this disease.

Illumina Laboratory Services, Illumina
Classification: Benign for Waardenburg syndrome. Last evaluated: 2018-01-13. Review status: criteria provided, single submitter. Criteria: ICSL Variant Classification Criteria 13 December 2019. Collection method: clinical testing. Allele origin: germline.
Comment: the same text as in the submission from Illumina Laboratory Services, Illumina above.

NM_181458.4(PAX3):c.1420+186G>A

Gene: PAX3 (paired box 3; minus strand). Cytogenetic location: 2q36.1.
Variant type: single nucleotide variant.
Coding change: c.1420+186G>A on transcript NM_181458.4 (MANE Select); 186 bases into the intron after coding-DNA position 1420, G replaced by A.
Molecular consequence: intron variant. On other transcripts: 3 prime UTR variant (1).
Genome position (GRCh38, 1-based): chr2:222,201,758, C>T on the plus strand (G>A on the coding strand, the complement: PAX3 is on the minus strand). VCF-style: chr2-222201758-C-T. GRCh37 (hg19) VCF-style: chr2-223066477-C-T.
Other names: c.*166G>A (NM_181457.4); c.1417+186G>A (NM_001127366.3); c.1174-316G>A (NM_181460.4, NM_181461.4); c.1420+186G>A (NM_181459.4).
Identifiers: ClinVar variation 894955 (VCV000894955.4), dbSNP rs78035924, ClinGen allele CA66330094.